The following is an entry in ClinVar:

ClinVar aggregate classification (germline): Uncertain significance. Review status: criteria provided, multiple submitters, no conflicts (2 of 4 stars). 2 submissions from 2 submitters: Uncertain significance (2). Last evaluated 2025-09-10.

Conditions:
SCN11A-related disorder. Also called: SCN11A-related condition.
Inborn genetic diseases. Identifiers: MedGen C0950123, MeSH D030342.

gnomAD v4.1: 3 of 1,613,850 alleles (0.00019%); highest among the groups gnomAD compares: Non-Finnish European, 0.00025%; no homozygotes.

Submissions (2):

PreventionGenetics, part of Exact Sciences
Classification: Uncertain significance for SCN11A-related condition. Last evaluated: 2025-09-10. Review status: criteria provided, single submitter. Criteria: ACMG Guidelines, 2015. Collection method: clinical testing. Allele origin: germline.
Comment: The SCN11A c.1043C>A variant is predicted to result in the amino acid substitution p.Ser348Tyr. To our knowledge, this variant has not been reported in the literature or in a large population database (gnomAD), indicating this variant is rare. At this time, the clinical significance of this variant is uncertain due to the absence of conclusive functional and genetic evidence.

Ambry Genetics
Classification: Uncertain significance for Inborn genetic diseases. Last evaluated: 2020-12-17. Review status: criteria provided, single submitter. Criteria: Ambry Variant Classification Scheme 2023. Collection method: clinical testing. Allele origin: germline.
Comment: The p.S348Y variant (also known as c.1043C>A), located in coding exon 8 of the SCN11A gene, results from a C to A substitution at nucleotide position 1043. The serine at codon 348 is replaced by tyrosine, an amino acid with dissimilar properties. This amino acid position is not well conserved in available vertebrate species. In addition, this alteration is predicted to be deleterious by in silico analysis. Since supporting evidence is limited at this time, the clinical significance of this alteration remains unclear.

NM_001349253.2(SCN11A):c.1043C>A (p.Ser348Tyr)

Gene: SCN11A (sodium voltage-gated channel alpha subunit 11; minus strand). Cytogenetic location: 3p22.2.
Variant type: single nucleotide variant.
Coding change: c.1043C>A on transcript NM_001349253.2 (MANE Select); coding-DNA position 1043, C replaced by A.
Protein change: p.Ser348Tyr; replaces serine 348 with tyrosine.
Molecular consequence: missense variant.
Genome position (GRCh38, 1-based): chr3:38,910,124, G>T on the plus strand (C>A on the coding strand, the complement: SCN11A is on the minus strand). VCF-style: chr3-38910124-G-T. GRCh37 (hg19) VCF-style: chr3-38951615-G-T.
Other names: c.1043C>A, p.Ser348Tyr (NM_014139.3); short protein forms S348Y.
Identifiers: ClinVar variation 1774706 (VCV001774706.3), dbSNP rs2065865419, ClinGen allele CA352168544.